The following is an entry in ClinVar:

NM_003280.3(TNNC1):c.162del (p.Glu55fs)

Gene: TNNC1 (troponin C1, slow skeletal and cardiac type; minus strand). Cytogenetic location: 3p21.1.
Variant type: Deletion.
Coding change: c.162del on transcript NM_003280.3 (MANE Select); coding-DNA position 162, one base deleted (T; older notation c.162delT).
Protein change: p.Glu55fs; shifts the reading frame from glutamic acid 55.
Molecular consequence: frameshift variant.
Genome position (GRCh38, 1-based): chr3:52,452,146, A deleted on the plus strand (T on the coding strand, the reverse complement: TNNC1 is on the minus strand). VCF-style (leftmost placement, unchanged base first): chr3-52452145-CA-C. GRCh37 (hg19) VCF-style: chr3-52486161-CA-C.
Other names: short protein forms E55fs.
Identifiers: ClinVar variation 2139573 (VCV002139573.4), dbSNP rs781712996, ClinGen allele CA2438578.

ClinVar aggregate classification (germline): Uncertain significance (1 of 4 stars; one submission).

Conditions:
Dilated cardiomyopathy 1Z (CMD1Z). Identifiers: Orphanet 154, MedGen C2678475, MONDO:0012745, OMIM 611879.
Hypertrophic cardiomyopathy 13. Also called: TNNC1-Related Familial Hypertrophic Cardiomyopathy. Identifiers: MedGen C2750472, MONDO:0013195, OMIM 613243.

Allele frequency attached by ClinVar (database versions not stated): gnomAD exomes below 0.00001; TOPMed below 0.00001; ExAC 0.00001.

Submission:

Labcorp Genetics (formerly Invitae), Labcorp
Classification: Uncertain significance for Hypertrophic cardiomyopathy 13; Dilated cardiomyopathy 1Z. Last evaluated: 2025-06-02. Review status: criteria provided, single submitter. Criteria: Invitae Variant Classification Sherloc (09022015). Collection method: clinical testing. Allele origin: germline.
Comment: This sequence change creates a premature translational stop signal (p.Glu55Argfs*6) in the TNNC1 gene. It is expected to result in an absent or disrupted protein product. However, the current clinical and genetic evidence is not sufficient to establish whether loss-of-function variants in TNNC1 cause disease. This variant is present in population databases (rs781712996, gnomAD 0.006%). This premature translational stop signal has been observed in individual(s) with left ventricular non-compaction (PMID: 31918855). ClinVar contains an entry for this variant (Variation ID: 2139573). In summary, the available evidence is currently insufficient to determine the role of this variant in disease. Therefore, it has been classified as a Variant of Uncertain Significance.

Literature cited by the submitters: PubMed 31918855.